The following is an entry in ClinVar:

NM_005045.4(RELN):c.2274T>G (p.Ile758Met)

Gene: RELN (reelin; minus strand). Cytogenetic location: 7q22.1.
Variant type: single nucleotide variant.
Coding change: c.2274T>G on transcript NM_005045.4 (MANE Select); coding-DNA position 2274, T replaced by G.
Protein change: p.Ile758Met; replaces isoleucine 758 with methionine.
Molecular consequence: missense variant.
Genome position (GRCh38, 1-based): chr7:103,636,264, A>C on the plus strand (T>G on the coding strand, the complement: RELN is on the minus strand). VCF-style: chr7-103636264-A-C. GRCh37 (hg19) VCF-style: chr7-103276711-A-C.
Other names: c.2274T>G, p.Ile758Met (NM_173054.3); short protein forms I758M.
Identifiers: ClinVar variation 3344050 (VCV003344050.1).

ClinVar aggregate classification (germline): Uncertain significance (0 of 4 stars; one submission).

Conditions:
RELN-related disorder. Also called: RELN-related condition.

Submission:

PreventionGenetics, part of Exact Sciences
Classification: Uncertain significance for RELN-related condition. Last evaluated: 2024-08-17. Review status: no assertion criteria provided. Collection method: clinical testing. Allele origin: germline.
Comment: The RELN c.2274T>G variant is predicted to result in the amino acid substitution p.Ile758Met. To our knowledge, this variant has not been reported in the literature or in a large population database, indicating this variant is rare. At this time, the clinical significance of this variant is uncertain due to the absence of conclusive functional and genetic evidence.